The following is an entry in ClinVar:

NM_014244.5(ADAMTS2):c.1257_1261dup (p.Gln421fs)

Gene: ADAMTS2 (ADAM metallopeptidase with thrombospondin type 1 motif 2; minus strand). Cytogenetic location: 5q35.3.
Variant type: Duplication.
Coding change: c.1257_1261dup on transcript NM_014244.5 (MANE Select); coding-DNA positions 1257 to 1261, 5 bases duplicated (CGGGC; older notation c.1257_1261dupCGGGC).
Protein change: p.Gln421fs; shifts the reading frame from glutamine 421.
Molecular consequence: frameshift variant.
Genome position (GRCh38, 1-based): chr5:179,154,170-179,154,174, GCCCG duplicated on the plus strand (CGGGC on the coding strand, the reverse complement: ADAMTS2 is on the minus strand). VCF-style (leftmost placement, unchanged base first): chr5-179154169-T-TGCCCG. GRCh37 (hg19) VCF-style: chr5-178581170-T-TGCCCG.
Other names: c.1257_1261dup, p.Gln421fs (NM_021599.4); short protein forms Q421fs.
Identifiers: ClinVar variation 5015395 (VCV005015395.1).

ClinVar aggregate classification (germline): Pathogenic (1 of 4 stars; one submission).

Conditions:
Ehlers-Danlos syndrome, dermatosparaxis type. Also called: EDS VIIC; Dermatosparaxis; Ehlers-Danlos syndrome, type VII, autosomal recessive. Identifiers: Orphanet 1901, MedGen C2700425, MONDO:0009161, OMIM 225410.

Submission:

Myriad Genetics, Inc.
Classification: Pathogenic for Ehlers-Danlos syndrome, dermatosparaxis type. Last evaluated: 2026-01-06. Review status: criteria provided, single submitter. Criteria: Myriad Autosomal Dominant, Autosomal Recessive and X-Linked Classification Criteria (2023). Collection method: clinical testing. Allele origin: unknown.
Comment: NM_014244.4(ADAMTS2):c.1257_1261dup5(Q421Pfs*38) is expected to be pathogenic in the context of Ehlers-Danlos syndrome, ADAMTS2-related. This variant is predicted to lead to an abnormal or absent protein product due to the creation of a premature termination codon in ADAMTS2, a gene where loss-of-function variants are known to be pathogenic. Please note: this variant was assessed in the context of healthy population screening.